The following is an entry in ClinVar:

ClinVar aggregate classification (germline): Uncertain significance (1 of 4 stars; one submission).

Submission:

Women's Health and Genetics/Laboratory Corporation of America, LabCorp
Classification: Uncertain significance. Last evaluated: 2025-06-12. Review status: criteria provided, single submitter. Criteria: LabCorp Variant Classification Summary - May 2015. Collection method: clinical testing. Allele origin: germline.
Comment: Variant summary: USH2A c.12103C>A (p.Pro4035Thr) results in a non-conservative amino acid change in the encoded protein sequence. Algorithms developed to predict the effect of missense changes on protein structure and function are either unavailable or do not agree on the potential impact of this missense change. The variant was absent in 250780 control chromosomes. The available data on variant occurrences in the general population are insufficient to allow any conclusion about variant significance. To our knowledge, no occurrence of c.12103C>A in individuals affected with Usher Syndrome and no experimental evidence demonstrating its impact on protein function have been reported. No submitters have cited clinical-significance assessments for this variant to ClinVar. Based on the evidence outlined above, the variant was classified as uncertain significance.

NM_206933.4(USH2A):c.12103C>A (p.Pro4035Thr)

Gene: USH2A (usherin; minus strand). Cytogenetic location: 1q41.
Variant type: single nucleotide variant.
Coding change: c.12103C>A on transcript NM_206933.4 (MANE Select); coding-DNA position 12103, C replaced by A.
Protein change: p.Pro4035Thr; replaces proline 4035 with threonine.
Molecular consequence: missense variant.
Genome position (GRCh38, 1-based): chr1:215,680,340, G>T on the plus strand (C>A on the coding strand, the complement: USH2A is on the minus strand). VCF-style: chr1-215680340-G-T. GRCh37 (hg19) VCF-style: chr1-215853682-G-T.
Other names: short protein forms P4035T.
Identifiers: ClinVar variation 3907174 (VCV003907174.1).